The following is an entry in ClinVar:

NM_001754.5(RUNX1):c.351+6G>T

Gene: RUNX1 (RUNX family transcription factor 1; minus strand). Cytogenetic location: 21q22.12.
Variant type: single nucleotide variant.
Coding change: c.351+6G>T on transcript NM_001754.5 (MANE Select); 6 bases into the intron after coding-DNA position 351, G replaced by T.
Molecular consequence: intron variant.
Genome position (GRCh38, 1-based): chr21:34,886,837, C>A on the plus strand (G>T on the coding strand, the complement: RUNX1 is on the minus strand). VCF-style: chr21-34886837-C-A. GRCh37 (hg19) VCF-style: chr21-36259134-C-A.
Other names: c.270+6G>T (NM_001001890.3, NM_001122607.2).
Identifiers: ClinVar variation 1001138 (VCV001001138.7), dbSNP rs544853243, ClinGen allele CA10014547.

ClinVar aggregate classification (germline): Likely benign. Review status: reviewed by expert panel (3 of 4 stars). 2 submissions from 2 submitters: Likely benign (1). 1 of the submissions does not count toward it. Last evaluated 2023-11-13.

Conditions:
Hereditary thrombocytopenia and hematological cancer predisposition syndrome associated with RUNX1. Also called: Familial thrombocytopenia with propensity to acute myelogenous leukemia; PLATELET DISORDER, ASPIRIN-LIKE; RUNX1 Familial Platelet Disorder with Associated Myeloid Malignancies; Familial Platelet Disorder with Propensity to Acute Myelogenous Leukemia. Identifiers: Orphanet 71290, MedGen C1832388, MeSH C563324, MONDO:0100083, OMIM 601399.
Hereditary thrombocytopenia and hematologic cancer predisposition syndrome. Identifiers: Orphanet 71290, MedGen CN281654, MONDO:0011071.

Allele frequency attached by ClinVar (database versions not stated): gnomAD exomes 0.00001; TOPMed 0.00001; ExAC 0.00002; gnomAD 0.00002 and 0.00003; 1000 Genomes Project 0.00020; 1000 Genomes Project 30x 0.00031.
gnomAD v4.1: 4 of 1,612,982 alleles (0.00025%); highest among the groups gnomAD compares: African/African-American, 0.0053%; no homozygotes.

Submissions (2):

ClinGen Myeloid Malignancy Variant Curation Expert Panel
Classification: Likely benign for Hereditary thrombocytopenia and hematologic cancer predisposition syndrome. Last evaluated: 2023-11-13. Review status: reviewed by expert panel. Criteria: ClinGen MyeloMalig ACMG Specifications v2. Collection method: curation. Allele origin: germline. Inheritance: Autosomal dominant inheritance.
Comment: The c.351+6G>T variant in RUNX1 is an intronic variant located at a non-conserved nucleotide in intron 4 of NM_001754.5 (BP7); the variant is also known as c.270+6G>T in intron 1 of NM_001001890.3. The results from the in silico splicing predictor SpliceAI supports that this variant does not affect splicing (BP4). The highest population minor allele frequency in gnomAD v2 is 0.01241% (2/16122 alleles) and in gnomAD v3 is 0.009646% (4/41466 alleles) in the African/African American population, and the germline variant has not been reported in patients with the RUNX1-defined phenotype. In summary, this variant meets the criteria to be classified as likely benign for autosomal dominant hereditary thrombocytopenia and hematologic cancer predisposition syndrome based on the ACMG/AMP criteria applied, as specified by the ClinGen Myeloid Malignancy VCEP: BP4 and BP7.

Labcorp Genetics (formerly Invitae), Labcorp
Classification: Uncertain significance for Hereditary thrombocytopenia and hematological cancer predisposition syndrome associated with RUNX1. Last evaluated: 2023-08-16. Review status: criteria provided, single submitter. Criteria: Invitae Variant Classification Sherloc (09022015). Collection method: clinical testing. Allele origin: germline. Not counted in ClinVar's aggregate classification.
Comment: In summary, the available evidence is currently insufficient to determine the role of this variant in disease. Therefore, it has been classified as a Variant of Uncertain Significance. Variants that disrupt the consensus splice site are a relatively common cause of aberrant splicing (PMID: 17576681, 9536098). Algorithms developed to predict the effect of sequence changes on RNA splicing suggest that this variant is not likely to affect RNA splicing. ClinVar contains an entry for this variant (Variation ID: 1001138). This variant has not been reported in the literature in individuals affected with RUNX1-related conditions. This variant is present in population databases (rs544853243, gnomAD 0.01%). This sequence change falls in intron 4 of the RUNX1 gene. It does not directly change the encoded amino acid sequence of the RUNX1 protein. It affects a nucleotide within the consensus splice site.

Literature cited by the submitters: PubMed 17576681 (cited by Labcorp Genetics (formerly Invitae), Labcorp); PubMed 9536098 (cited by Labcorp Genetics (formerly Invitae), Labcorp).